The following is an entry in ClinVar:

ClinVar aggregate classification (germline): Pathogenic (1 of 4 stars; one submission).

Conditions:
Charcot-Marie-Tooth disease type 2. Also called: Charcot-Marie-Tooth type 2. Identifiers: Orphanet 64746, MedGen C0270914, MONDO:0018993.

Submission:

Labcorp Genetics (formerly Invitae), Labcorp
Classification: Pathogenic for Charcot-Marie-Tooth disease type 2. Last evaluated: 2019-12-30. Review status: criteria provided, single submitter. Criteria: Invitae Variant Classification Sherloc (09022015). Collection method: clinical testing. Allele origin: germline.
Comment: This variant is a gross deletion of the genomic region encompassing exons 3-12 of the LMNA gene. The 5' boundary is likely confined to intron 2. The 3' end of this event is unknown as it extends through the termination codon beyond the assayed region for this gene and may encompass additional genes. While this deletion is not anticipated to result in nonsense mediated decay, it is expected to create a truncated protein product or disrupt mRNA translation. A similar deletion of exons 3-12 has been reported in an individual affected with LMNA-related cardiac disease (PMID: 20127487). Variants that disrupt the p.Arg190 and p.Glu203 amino acid residues in exon 3 of LMNA have been observed in affected individuals (PMID: 16061563, 11897440, 22199124, 15219508, 26199943, 16537768, 20160190, 26899768, 18795223, 11561226, 22464770). This suggests that these are clinically significant residues, and that other variants that disrupt these residues are likely to be causative of disease. For these reasons, this variant has been classified as Pathogenic.

Literature cited by the submitters: PubMed 20160190; PubMed 11897440; PubMed 22199124; PubMed 26899768; PubMed 22464770; PubMed 11561226; PubMed 18795223; PubMed 20127487; PubMed 16537768; PubMed 15219508; PubMed 26199943; PubMed 16061563.

NC_000001.11:g.(?_156134393)_(156139116_?)del

Gene: LMNA (lamin A/C; plus strand). Cytogenetic location: 1q22.
Variant type: Deletion.
Identifiers: ClinVar variation 662281 (VCV000662281.2).